The following is an entry in ClinVar:

ClinVar aggregate classification (germline): Uncertain significance (1 of 4 stars; one submission).

Submission:

ISCA site 4
Classification: Uncertain significance. Last evaluated: 2011-08-12. Review status: criteria provided, single submitter. Criteria: Kaminsky et al. (Genet Med. 2011). Collection method: clinical testing. Allele origin: unknown. Affected: yes. Observed: 1 variant allele.
Comment: Copy number variation identified through the course of routine clinical cytogenomic testing in postnatal populations. Clinical assertions have been curated as described in Kaminsky et al. 2011.

GRCh38/hg38 18q22.2(chr18:69556939-69821230)x3

Genes: DOK6 (docking protein 6; plus strand), LOC132090508 (Neanderthal introgressed variant-containing enhancer experimental_49392; plus strand). Cytogenetic location: 18q22.2.
Variant type: copy number gain.
Change: copy number 3 (three copies instead of two) of chr18:69,556,939-69,821,230 (264.3 kb, GRCh38 coordinates, 1-based), cytogenetic band 18q22.2.
Identifiers: ClinVar variation 57039 (VCV000057039.1).